The following is an entry in ClinVar:

ClinVar aggregate classification (germline): Uncertain significance (1 of 4 stars; one submission).

Conditions:
Bardet-Biedl syndrome (BBS). Identifiers: Orphanet 110, MedGen C0752166, MONDO:0015229.

Submission:

Labcorp Genetics (formerly Invitae), Labcorp
Classification: Uncertain significance for Bardet-Biedl syndrome. Last evaluated: 2021-11-03. Review status: criteria provided, single submitter. Criteria: Invitae Variant Classification Sherloc (09022015). Collection method: clinical testing. Allele origin: germline.
Comment: This variant has not been reported in the literature in individuals affected with BBS4-related conditions. In summary, the available evidence is currently insufficient to determine the role of this variant in disease. Therefore, it has been classified as a Variant of Uncertain Significance. Algorithms developed to predict the effect of missense changes on protein structure and function are either unavailable or do not agree on the potential impact of this missense change (SIFT: "Deleterious"; PolyPhen-2: "Benign"; Align-GVGD: "Class C0"). This variant is not present in population databases (gnomAD no frequency). This sequence change replaces methionine, which is neutral and non-polar, with leucine, which is neutral and non-polar, at codon 472 of the BBS4 protein (p.Met472Leu).

NM_033028.5(BBS4):c.1414A>C (p.Met472Leu)

Gene: BBS4 (Bardet-Biedl syndrome 4; plus strand). Cytogenetic location: 15q24.1.
Variant type: single nucleotide variant.
Coding change: c.1414A>C on transcript NM_033028.5 (MANE Select); coding-DNA position 1414, A replaced by C.
Protein change: p.Met472Leu; replaces methionine 472 with leucine.
Molecular consequence: missense variant. On other transcripts: non-coding transcript variant (2).
Genome position (GRCh38, 1-based): chr15:72,736,927, A>C. VCF-style: chr15-72736927-A-C. GRCh37 (hg19) VCF-style: chr15-73029268-A-C.
Other names: c.898A>C, p.Met300Leu (NM_001252678.2); c.1345A>C, p.Met449Leu (NM_001320665.2); short protein forms M449L, M472L, M300L.
Identifiers: ClinVar variation 1486502 (VCV001486502.6), dbSNP rs2277596, ClinGen allele CA393081049.